The following is an entry in ClinVar:

ClinVar aggregate classification (germline): Conflicting classifications of pathogenicity. Review status: criteria provided, conflicting classifications (1 of 4 stars). 3 submissions from 3 submitters: Likely pathogenic (1); Uncertain significance (2). Last evaluated 2026-07-13.

Conditions:
Cardiovascular phenotype. Identifiers: MedGen CN230736.
Hereditary cancer-predisposing syndrome. Also called: Hereditary Cancer Syndrome; Tumor predisposition; Neoplastic Syndromes, Hereditary; Hereditary neoplastic syndrome. Identifiers: Orphanet 140162, MedGen C0027672, MeSH D009386, MONDO:0015356.
Noonan syndrome 2 (NS2). Identifiers: Orphanet 648, MedGen C1854469, MONDO:0011531, OMIM 605275.
Noonan syndrome 10 (NS10). Identifiers: Orphanet 648, MedGen C4225280, MONDO:0014693, OMIM 616564.
LZTR1-related schwannomatosis. Also called: Schwannomatosis 2; Schwannomatosis-2, susceptibility to. Identifiers: Orphanet 93921, MedGen C3810283, MONDO:0014299, OMIM 615670.

Allele frequency attached by ClinVar (database versions not stated): gnomAD 0.00001; ESP Exome Variant Server 0.00008; TOPMed below 0.00001.
gnomAD v4.1: 3 of 1,613,806 alleles (0.00019%); highest among the groups gnomAD compares: East Asian, 0.0022%; no homozygotes.

Submissions (3):

Ambry Genetics
Classification: Likely pathogenic for Cardiovascular phenotype; Hereditary cancer-predisposing syndrome. Last evaluated: 2026-07-13. Review status: criteria provided, single submitter. Criteria: Ambry Variant Classification Scheme 2023. Collection method: clinical testing. Allele origin: germline.
Comment: The c.400+3A>G intronic variant results from an A to G substitution 3 nucleotides after coding exon 4 in the LZTR1 gene. This nucleotide position is poorly conserved in available vertebrate species. In silico splice site analysis predicts that this alteration will not have any significant effect on splicing; however, RNA studies have demonstrated that this alteration results in abnormal splicing in the set of samples tested (Ambry internal data). Loss-of-function variants in LZTR1 are related to an increased risk for schwannomas and autosomal recessive Noonan syndrome; however, such associations with autosomal dominant Noonan syndrome have not been observed (Piotrowski A et al. Nat Genet. 2014 Feb;46:182-7; Yamamoto GL et al. J Med Genet. 2015 Jun;52:413-21; Johnston JJ et al. Genet Med. 2018 10;20:1175-1185). Based on the supporting evidence, this variant is likely pathogenic for an increased risk of LZTR1-related schwannomatosis (SWN) and would be expected to cause autosomal recessive Noonan syndrome when present along with a second pathogenic or likely pathogenic variant on the other allele; however, the association of this alteration with autosomal dominant Noonan syndrome is unlikely.

Labcorp Genetics (formerly Invitae), Labcorp
Classification: Uncertain significance. Last evaluated: 2024-10-12. Review status: criteria provided, single submitter. Criteria: Invitae Variant Classification Sherloc (09022015). Collection method: clinical testing. Allele origin: germline.
Comment: This sequence change falls in intron 4 of the LZTR1 gene. It does not directly change the encoded amino acid sequence of the LZTR1 protein. It affects a nucleotide within the consensus splice site. This variant is not present in population databases (gnomAD no frequency). This variant has not been reported in the literature in individuals affected with LZTR1-related conditions. ClinVar contains an entry for this variant (Variation ID: 1468595). Variants that disrupt the consensus splice site are a relatively common cause of aberrant splicing (PMID: 17576681, 9536098). Algorithms developed to predict the effect of sequence changes on RNA splicing suggest that this variant is not likely to affect RNA splicing. In summary, the available evidence is currently insufficient to determine the role of this variant in disease. Therefore, it has been classified as a Variant of Uncertain Significance.

Fulgent Genetics
Classification: Uncertain significance for Noonan syndrome 2; LZTR1-related schwannomatosis; Noonan syndrome 10. Last evaluated: 2024-02-07. Review status: criteria provided, single submitter. Criteria: ACMG Guidelines, 2015. Collection method: clinical testing. Allele origin: germline.

Literature cited by the submitters: PubMed 17576681 (cited by Labcorp Genetics (formerly Invitae), Labcorp); PubMed 9536098 (cited by Labcorp Genetics (formerly Invitae), Labcorp).

NM_006767.4(LZTR1):c.400+3A>G

Gene: LZTR1 (leucine zipper like post translational regulator 1; plus strand). Cytogenetic location: 22q11.21.
Variant type: single nucleotide variant.
Coding change: c.400+3A>G on transcript NM_006767.4 (MANE Select); 3 bases into the intron after coding-DNA position 400, A replaced by G.
Molecular consequence: intron variant.
Genome position (GRCh38, 1-based): chr22:20,987,586, A>G. VCF-style: chr22-20987586-A-G. GRCh37 (hg19) VCF-style: chr22-21341875-A-G.
Identifiers: ClinVar variation 1468595 (VCV001468595.10), dbSNP rs371956748, ClinGen allele CA322322873.